The following is an entry in ClinVar:

ClinVar aggregate classification (germline): Uncertain significance. Review status: criteria provided, multiple submitters, no conflicts (2 of 4 stars). 2 submissions from 2 submitters: Uncertain significance (2). Last evaluated 2024-10-25.

Conditions:
Inborn genetic diseases. Identifiers: MedGen C0950123, MeSH D030342.

Allele frequency attached by ClinVar (database versions not stated): gnomAD exomes below 0.00001; gnomAD 0.00001.
gnomAD v4.1: 5 of 1,611,110 alleles (0.00031%); highest among the groups gnomAD compares: Admixed American, 0.0033%; no homozygotes.

Submissions (2):

Labcorp Genetics (formerly Invitae), Labcorp
Classification: Uncertain significance. Last evaluated: 2024-10-25. Review status: criteria provided, single submitter. Criteria: Invitae Variant Classification Sherloc (09022015). Collection method: clinical testing. Allele origin: germline.
Comment: This sequence change replaces asparagine, which is neutral and polar, with tyrosine, which is neutral and polar, at codon 207 of the MTHFD1 protein (p.Asn207Tyr). This variant is present in population databases (no rsID available, gnomAD 0.003%). This variant has not been reported in the literature in individuals affected with MTHFD1-related conditions. ClinVar contains an entry for this variant (Variation ID: 1501216). Invitae Evidence Modeling of protein sequence and biophysical properties (such as structural, functional, and spatial information, amino acid conservation, physicochemical variation, residue mobility, and thermodynamic stability) indicates that this missense variant is not expected to disrupt MTHFD1 protein function with a negative predictive value of 80%. In summary, the available evidence is currently insufficient to determine the role of this variant in disease. Therefore, it has been classified as a Variant of Uncertain Significance.

Ambry Genetics
Classification: Uncertain significance for Inborn genetic diseases. Last evaluated: 2024-10-20. Review status: criteria provided, single submitter. Criteria: Ambry Variant Classification Scheme 2023. Collection method: clinical testing. Allele origin: germline.

NM_005956.4(MTHFD1):c.619A>T (p.Asn207Tyr)

Gene: MTHFD1 (methylenetetrahydrofolate dehydrogenase, cyclohydrolase and formyltetrahydrofolate synthetase 1; plus strand). Cytogenetic location: 14q23.3.
Variant type: single nucleotide variant.
Coding change: c.619A>T on transcript NM_005956.4 (MANE Select); coding-DNA position 619, A replaced by T.
Protein change: p.Asn207Tyr; replaces asparagine 207 with tyrosine.
Molecular consequence: missense variant.
Genome position (GRCh38, 1-based): chr14:64,419,817, A>T. VCF-style: chr14-64419817-A-T. GRCh37 (hg19) VCF-style: chr14-64886535-A-T.
Other names: c.619A>T, p.Asn207Tyr (NM_001364837.1); c.619A>T (NM_005956.3); short protein forms N207Y.
Identifiers: ClinVar variation 1501216 (VCV001501216.7), dbSNP rs1336926811, ClinGen allele CA389978532.